The following is an entry in ClinVar:

ClinVar aggregate classification (germline): Uncertain significance (1 of 4 stars; one submission).

Allele frequency attached by ClinVar (database versions not stated): TOPMed below 0.00001.

Submission:

Labcorp Genetics (formerly Invitae), Labcorp
Classification: Uncertain significance. Last evaluated: 2024-01-24. Review status: criteria provided, single submitter. Criteria: Invitae Variant Classification Sherloc (09022015). Collection method: clinical testing. Allele origin: germline.
Comment: This sequence change replaces tyrosine, which is neutral and polar, with phenylalanine, which is neutral and non-polar, at codon 1855 of the CACNA1B protein (p.Tyr1855Phe). This variant is not present in population databases (gnomAD no frequency). This variant has not been reported in the literature in individuals affected with CACNA1B-related conditions. ClinVar contains an entry for this variant (Variation ID: 2055384). Advanced modeling of protein sequence and biophysical properties (such as structural, functional, and spatial information, amino acid conservation, physicochemical variation, residue mobility, and thermodynamic stability) performed at Invitae indicates that this missense variant is not expected to disrupt CACNA1B protein function with a negative predictive value of 80%. In summary, the available evidence is currently insufficient to determine the role of this variant in disease. Therefore, it has been classified as a Variant of Uncertain Significance.

NM_000718.4(CACNA1B):c.5564A>T (p.Tyr1855Phe)

Gene: CACNA1B (calcium voltage-gated channel subunit alpha1 B; plus strand). Cytogenetic location: 9q34.3.
Variant type: single nucleotide variant.
Coding change: c.5564A>T on transcript NM_000718.4 (MANE Select); coding-DNA position 5564, A replaced by T.
Protein change: p.Tyr1855Phe; replaces tyrosine 1855 with phenylalanine.
Molecular consequence: missense variant.
Genome position (GRCh38, 1-based): chr9:138,114,405, A>T. VCF-style: chr9-138114405-A-T. GRCh37 (hg19) VCF-style: chr9-141008857-A-T.
Other names: c.5564A>T, p.Tyr1855Phe (NM_001243812.2); short protein forms Y1855F.
Identifiers: ClinVar variation 2055384 (VCV002055384.4), dbSNP rs1413870333, ClinGen allele CA375816319.
Genomic context (GRCh38, chr9:138,114,405, plus strand): 5'-TCTCCGAATCTCAACTCCTGTGTTCTTTTCCAGCTGATGAGATGACAGTGGGGAAGGTTT[A>T]TGCAGCTCTGATGATATTCGACTTCTACAAGCAGAACAAAACCACCAGAGACCAGATGCA-3'
Protein context (NP_000709.1, residues 1845-1865): KPDEMTVGKV[Tyr1855Phe]AALMIFDFYK